The following is an entry in ClinVar:

NM_002880.4(RAF1):c.1208T>C (p.Val403Ala)

Gene: RAF1 (Raf-1 proto-oncogene, serine/threonine kinase; minus strand). Cytogenetic location: 3p25.2.
Variant type: single nucleotide variant.
Coding change: c.1208T>C on transcript NM_002880.4 (MANE Select); coding-DNA position 1208, T replaced by C.
Protein change: p.Val403Ala; replaces valine 403 with alanine.
Molecular consequence: missense variant. On other transcripts: non-coding transcript variant (3).
Genome position (GRCh38, 1-based): chr3:12,590,960, A>G on the plus strand (T>C on the coding strand, the complement: RAF1 is on the minus strand). VCF-style: chr3-12590960-A-G. GRCh37 (hg19) VCF-style: chr3-12632459-A-G.
Other names: c.1268T>C, p.Val423Ala (NM_001354689.3); c.1208T>C, p.Val403Ala (NM_001354690.3); c.965T>C, p.Val322Ala (NM_001354691.3, NM_001354692.3); c.1109T>C, p.Val370Ala (NM_001354693.3); c.1025T>C, p.Val342Ala (NM_001354694.3); c.866T>C, p.Val289Ala (NM_001354695.3); short protein forms V322A, V370A, V403A, V342A, V289A, V423A.
Identifiers: ClinVar variation 2194798 (VCV002194798.4), dbSNP rs2470229667, ClinGen allele CA351502656.

ClinVar aggregate classification (germline): Uncertain significance (1 of 4 stars; one submission).

Conditions:
RASopathy. Also called: rasopathies; Noonan spectrum disorder. Identifiers: Orphanet 536391, MedGen C5555857, MONDO:0021060.

Submission:

Labcorp Genetics (formerly Invitae), Labcorp
Classification: Uncertain significance for RASopathy. Last evaluated: 2022-04-10. Review status: criteria provided, single submitter. Criteria: Invitae Variant Classification Sherloc (09022015). Collection method: clinical testing. Allele origin: germline.
Comment: This sequence change replaces valine, which is neutral and non-polar, with alanine, which is neutral and non-polar, at codon 403 of the RAF1 protein (p.Val403Ala). This variant is not present in population databases (gnomAD no frequency). This variant has not been reported in the literature in individuals affected with RAF1-related conditions. Advanced modeling of protein sequence and biophysical properties (such as structural, functional, and spatial information, amino acid conservation, physicochemical variation, residue mobility, and thermodynamic stability) performed at Invitae indicates that this missense variant is expected to disrupt RAF1 protein function. Experimental studies have shown that this missense change does not substantially affect RAF1 function (PMID: 12925535). In summary, the available evidence is currently insufficient to determine the role of this variant in disease. Therefore, it has been classified as a Variant of Uncertain Significance.

Literature cited by the submitters: PubMed 12925535.